The following is an entry in ClinVar:

NM_001278064.2(GRM1):c.2364G>C (p.Ala788=)

Gene: GRM1 (glutamate metabotropic receptor 1; plus strand). Cytogenetic location: 6q24.3.
Variant type: single nucleotide variant.
Coding change: c.2364G>C on transcript NM_001278064.2 (MANE Select); coding-DNA position 2364, G replaced by C.
Protein change: p.Ala788=; no amino-acid change (alanine 788 retained).
Molecular consequence: synonymous variant.
Genome position (GRCh38, 1-based): chr6:146,399,403, G>C. VCF-style: chr6-146399403-G-C. GRCh37 (hg19) VCF-style: chr6-146720539-G-C.
Other names: p.Ala788=; c.2364G>C, p.Ala788= (NM_001278065.2, NM_001278066.1, NM_001278067.1).
Identifiers: ClinVar variation 585957 (VCV000585957.15), dbSNP rs114187147, ClinGen allele CA4037446.
Genomic context (GRCh38, chr6:146,399,403, plus strand): 5'-CTACTATGCCTTCAAGACCCGCAACGTGCCCGCCAACTTCAACGAGGCCAAATATATCGC[G>C]TTCACCATGTACACCACCTGTATCATCTGGCTAGCTTTTGTGCCCATTTACTTTGGGAGC-3'
Protein context (NP_001264993.1, residues 778-798): PANFNEAKYI[Ala788=]FTMYTTCIIW

ClinVar aggregate classification (germline): Benign/Likely benign. Review status: criteria provided, multiple submitters, no conflicts (2 of 4 stars). 5 submissions from 5 submitters: Benign (3); Likely benign (2). Last evaluated 2025-09-10.

Conditions:
Autosomal recessive spinocerebellar ataxia 13. Identifiers: Orphanet 324262, MedGen C3553816, MONDO:0013905, OMIM 614831.
Spinocerebellar ataxia 44. Identifiers: Orphanet 631095, MedGen C4521563, MONDO:0033479, OMIM 617691.

Allele frequency attached by ClinVar (database versions not stated): 1000 Genomes Project 0.00200; 1000 Genomes Project 30x 0.00234; TOPMed 0.00318; ESP Exome Variant Server 0.00354.
gnomAD v4.1: 823 of 1,614,088 alleles (0.051%); highest among the groups gnomAD compares: African/African-American, 0.97%; 5 homozygotes.

Submissions (5):

Labcorp Genetics (formerly Invitae), Labcorp
Classification: Benign. Last evaluated: 2025-09-10. Review status: criteria provided, single submitter. Criteria: Invitae Variant Classification Sherloc (09022015). Collection method: clinical testing. Allele origin: germline.

Mayo Clinic Laboratories, Mayo Clinic
Classification: Benign. Last evaluated: 2025-01-06. Review status: criteria provided, single submitter. Criteria: ACMG Guidelines, 2015. Collection method: clinical testing. Allele origin: germline. Observed: 1 variant allele.
Comment: BS1, BS2, BP4, BP7

Blueprint Genetics
Classification: Likely benign. Last evaluated: 2024-10-24. Review status: criteria provided, single submitter. Criteria: ACMG Guidelines, 2015. Collection method: clinical testing. Allele origin: germline.

Athena Diagnostics
Classification: Benign. Last evaluated: 2023-10-20. Review status: criteria provided, single submitter. Criteria: Athena Diagnostics Criteria. Collection method: clinical testing. Allele origin: unknown.

Fulgent Genetics
Classification: Likely benign for Autosomal recessive spinocerebellar ataxia 13; Spinocerebellar ataxia 44. Last evaluated: 2022-01-12. Review status: criteria provided, single submitter. Criteria: ACMG Guidelines, 2015. Collection method: clinical testing. Allele origin: unknown.

Literature cited by the submitters: PubMed 22448230 (cited by Athena Diagnostics).